The following is an entry in ClinVar:

NM_001161352.2(KCNMA1):c.3541A>G (p.Asn1181Asp)

Gene: KCNMA1 (potassium calcium-activated channel subfamily M alpha 1; minus strand). Cytogenetic location: 10q22.3.
Variant type: single nucleotide variant.
Coding change: c.3541A>G on transcript NM_001161352.2 (MANE Select); coding-DNA position 3541, A replaced by G.
Protein change: p.Asn1181Asp; replaces asparagine 1181 with aspartic acid.
Molecular consequence: missense variant.
Genome position (GRCh38, 1-based): chr10:76,887,436, T>C on the plus strand (A>G on the coding strand, the complement: KCNMA1 is on the minus strand). VCF-style: chr10-76887436-T-C. GRCh37 (hg19) VCF-style: chr10-78647194-T-C.
Other names: c.3379A>G, p.Asn1127Asp (NM_001014797.3); c.3490A>G, p.Asn1164Asp (NM_001161353.2); c.3217A>G, p.Asn1073Asp (NM_001271518.2); c.3457A>G, p.Asn1153Asp (NM_001271519.2); c.3376A>G, p.Asn1126Asp (NM_001322829.2, NM_001322836.2); c.3469A>G, p.Asn1157Asp (NM_001322830.2); c.3367A>G, p.Asn1123Asp (NM_001322832.2, NM_001410940.1, NM_002247.4); c.3460A>G, p.Asn1154Asp (NM_001322835.2, NM_001322837.2); and 1 more; short protein forms N1073D, N1154D, N1126D, N1127D, N1164D, N1123D, N1157D, N1181D.
Identifiers: ClinVar variation 2864822 (VCV002864822.4), dbSNP rs2548010208, ClinGen allele CA377402792.

ClinVar aggregate classification (germline): Uncertain significance. Review status: criteria provided, multiple submitters, no conflicts (2 of 4 stars). 2 submissions from 2 submitters: Uncertain significance (2). Last evaluated 2026-05-21.

Conditions:
Generalized epilepsy-paroxysmal dyskinesia syndrome (PNKD3). Also called: Paroxysmal nonkinesigenic dyskinesia, 3, with or without generalized epilepsy; Generalized epilepsy and paroxysmal dyskinesia. Identifiers: Orphanet 79137, MedGen C5574945, MONDO:0012276, OMIM 609446.

Submissions (2):

Women's Health and Genetics/Laboratory Corporation of America, LabCorp
Classification: Uncertain significance. Last evaluated: 2026-05-21. Review status: criteria provided, single submitter. Criteria: LabCorp Variant Classification Summary - May 2015. Collection method: clinical testing. Allele origin: germline.
Comment: Variant summary: KCNMA1 c.3541A>G (p.Asn1181Asp) results in a conservative amino acid change in the encoded protein sequence. Algorithms developed to predict the effect of missense changes on protein structure and function are either unavailable or do not agree on the potential impact of this missense change. The variant was absent in 250082 control chromosomes. The available data on variant occurrences in the general population are insufficient to allow any conclusion about variant significance. To our knowledge, no occurrence of c.3541A>G in individuals affected with KCNMA1-related conditions and no experimental evidence demonstrating its impact on protein function have been reported. ClinVar contains an entry for this variant (Variation ID: 2864822). Based on the evidence outlined above, the variant was classified as uncertain significance.

Labcorp Genetics (formerly Invitae), Labcorp
Classification: Uncertain significance for Generalized epilepsy-paroxysmal dyskinesia syndrome. Last evaluated: 2023-05-16. Review status: criteria provided, single submitter. Criteria: Invitae Variant Classification Sherloc (09022015). Collection method: clinical testing. Allele origin: germline.
Comment: In summary, the available evidence is currently insufficient to determine the role of this variant in disease. Therefore, it has been classified as a Variant of Uncertain Significance. An algorithm developed to predict the effect of missense changes on protein structure and function (PolyPhen-2) suggests that this variant is likely to be disruptive. This variant has not been reported in the literature in individuals affected with KCNMA1-related conditions. This variant is not present in population databases (gnomAD no frequency). This sequence change replaces asparagine, which is neutral and polar, with aspartic acid, which is acidic and polar, at codon 1123 of the KCNMA1 protein (p.Asn1123Asp).